The following is an entry in ClinVar:

NM_014956.5(CEP164):c.552+8C>T

Gene: CEP164 (centrosomal protein 164; plus strand). Cytogenetic location: 11q23.3.
Variant type: single nucleotide variant.
Coding change: c.552+8C>T on transcript NM_014956.5 (MANE Select); 8 bases into the intron after coding-DNA position 552, C replaced by T.
Molecular consequence: intron variant.
Genome position (GRCh38, 1-based): chr11:117,362,001, C>T. VCF-style: chr11-117362001-C-T. GRCh37 (hg19) VCF-style: chr11-117232717-C-T.
Other names: c.552+8C>T (NM_014956.4, NM_001271933.2).
Identifiers: ClinVar variation 1156634 (VCV001156634.12), dbSNP rs368573245, ClinGen allele CA6294513.

ClinVar aggregate classification (germline): Likely benign. Review status: criteria provided, multiple submitters, no conflicts (2 of 4 stars). 3 submissions from 3 submitters: Likely benign (2). 1 of the submissions does not count toward it. Last evaluated 2025-03-17.

Conditions:
CEP164-related disorder. Also called: CEP164-related condition.
Nephronophthisis 15 (NPHP15). Identifiers: Orphanet 3156, MedGen C3541853, MONDO:0013917, OMIM 614845.

Allele frequency attached by ClinVar (database versions not stated): gnomAD exomes 0.00002 and 0.00004; ExAC 0.00003; gnomAD 0.00006; ESP Exome Variant Server 0.00008; TOPMed 0.00008; 1000 Genomes Project 30x 0.00016; 1000 Genomes Project 0.00020.
gnomAD v4.1: 32 of 1,546,402 alleles (0.0021%); highest among the groups gnomAD compares: African/African-American, 0.018%; no homozygotes.

Submissions (3):

Labcorp Genetics (formerly Invitae), Labcorp
Classification: Likely benign for Nephronophthisis 15. Last evaluated: 2025-03-17. Review status: criteria provided, single submitter. Criteria: Invitae Variant Classification Sherloc (09022015). Collection method: clinical testing. Allele origin: germline.

Blueprint Genetics
Classification: Likely benign. Last evaluated: 2024-05-28. Review status: criteria provided, single submitter. Criteria: ACMG Guidelines, 2015. Collection method: clinical testing. Allele origin: germline.

PreventionGenetics, part of Exact Sciences
Classification: Likely benign for CEP164-related condition. Last evaluated: 2020-09-08. Review status: no assertion criteria provided. Collection method: clinical testing. Allele origin: germline. Not counted in ClinVar's aggregate classification.
Comment: This variant is classified as likely benign based on ACMG/AMP sequence variant interpretation guidelines (Richards et al. 2015 PMID: 25741868, with internal and published modifications).